The following is an entry in ClinVar:

NM_016343.4(CENPF):c.1417A>T (p.Lys473Ter)

Gene: CENPF (centromere protein F; plus strand). Cytogenetic location: 1q41.
Variant type: single nucleotide variant.
Coding change: c.1417A>T on transcript NM_016343.4 (MANE Select); coding-DNA position 1417, A replaced by T.
Protein change: p.Lys473Ter; replaces lysine 473 with a stop codon.
Molecular consequence: nonsense.
Genome position (GRCh38, 1-based): chr1:214,632,573, A>T. VCF-style: chr1-214632573-A-T. GRCh37 (hg19) VCF-style: chr1-214805916-A-T.
Other names: short protein forms K473*.
Identifiers: ClinVar variation 5005698 (VCV005005698.2).

ClinVar aggregate classification (germline): Likely pathogenic (1 of 4 stars; one submission).

Conditions:
Stromme syndrome (STROMS). Also called: APPLE PEEL SYNDROME WITH MICROCEPHALY AND OCULAR ANOMALIES; Strømme Syndrome; Ciliary dyskinesia, primary, 31. Identifiers: Orphanet 444069, Orphanet 506307, MedGen C1855705, MONDO:0009477, OMIM 243605.

Submission:

Juno Genomics, Hangzhou Juno Genomics, Inc
Classification: Likely pathogenic for Stromme syndrome. Review status: criteria provided, single submitter. Criteria: ACMG Guidelines, 2015. Collection method: clinical testing. Allele origin: germline.
Comment: Null variant in a gene where loss of function (LOF) is a known mechanism of disease.;Absent from controls (or at extremely low frequency if recessive) in Genome Aggregation Database.